The following is an entry in ClinVar:

NM_032806.6(POMGNT2):c.1255C>T (p.Arg419Trp)

Gene: POMGNT2 (protein O-linked mannose N-acetylglucosaminyltransferase 2 (beta 1,4-); minus strand). Cytogenetic location: 3p22.1.
Variant type: single nucleotide variant.
Coding change: c.1255C>T on transcript NM_032806.6 (MANE Select); coding-DNA position 1255, C replaced by T.
Protein change: p.Arg419Trp; replaces arginine 419 with tryptophan.
Molecular consequence: missense variant.
Genome position (GRCh38, 1-based): chr3:43,080,177, G>A on the plus strand (C>T on the coding strand, the complement: POMGNT2 is on the minus strand). VCF-style: chr3-43080177-G-A. GRCh37 (hg19) VCF-style: chr3-43121669-G-A.
Other names: short protein forms R419W.
Identifiers: ClinVar variation 1005126 (VCV001005126.5), dbSNP rs1473558367, ClinGen allele CA352301517.

ClinVar aggregate classification (germline): Uncertain significance (1 of 4 stars; one submission).

Conditions:
Muscular dystrophy-dystroglycanopathy (congenital with brain and eye anomalies), type a, 8 (MDDGA8). Also called: WALKER-WARBURG SYNDROME OR MUSCLE-EYE-BRAIN DISEASE, GTDC2-RELATED. Identifiers: Orphanet 899, MedGen C3553813, MONDO:0013904, OMIM 614830.

Allele frequency attached by ClinVar (database versions not stated): TOPMed below 0.00001; gnomAD exomes 0.00001.

Submission:

Labcorp Genetics (formerly Invitae), Labcorp
Classification: Uncertain significance for Muscular dystrophy-dystroglycanopathy (congenital with brain and eye anomalies), type a, 8. Last evaluated: 2020-10-24. Review status: criteria provided, single submitter. Criteria: Invitae Variant Classification Sherloc (09022015). Collection method: clinical testing. Allele origin: germline.
Comment: This sequence change replaces arginine with tryptophan at codon 419 of the POMGNT2 protein (p.Arg419Trp). The arginine residue is moderately conserved and there is a moderate physicochemical difference between arginine and tryptophan. This variant is not present in population databases (ExAC no frequency). This variant has not been reported in the literature in individuals with POMGNT2-related conditions. Algorithms developed to predict the effect of missense changes on protein structure and function are either unavailable or do not agree on the potential impact of this missense change (SIFT: "Deleterious"; PolyPhen-2: "Possibly Damaging"; Align-GVGD: "Class C0"). In summary, the available evidence is currently insufficient to determine the role of this variant in disease. Therefore, it has been classified as a Variant of Uncertain Significance.